The following is an entry in ClinVar:

ClinVar aggregate classification (germline): Uncertain significance. Review status: criteria provided, single submitter (1 of 4 stars). 2 submissions from 2 submitters: Uncertain significance (1). 1 of the submissions does not count toward it. Last evaluated 2023-05-17.

Conditions:
PLXNA3-related disorder. Also called: PLXNA3-related condition.

Allele frequency attached by ClinVar (database versions not stated): ExAC 0.00001; gnomAD exomes 0.00003; gnomAD 0.00007; TOPMed 0.00010; 1000 Genomes Project 0.00026; 1000 Genomes Project 30x 0.00042.
gnomAD v4.1: 36 of 1,148,266 alleles (0.0031%); highest among the groups gnomAD compares: East Asian, 0.03%; no homozygotes.

Submissions (2):

Ambry Genetics
Classification: Uncertain significance. Last evaluated: 2023-05-17. Review status: criteria provided, single submitter. Criteria: Ambry Variant Classification Scheme 2023. Collection method: clinical testing. Allele origin: germline.

PreventionGenetics, part of Exact Sciences
Classification: Uncertain significance for PLXNA3-related condition. Last evaluated: 2024-06-18. Review status: no assertion criteria provided. Collection method: clinical testing. Allele origin: germline. Not counted in ClinVar's aggregate classification.
Comment: The PLXNA3 c.514G>A variant is predicted to result in the amino acid substitution p.Asp172Asn. To our knowledge, this variant has not been reported in the literature. This variant is reported in 0.046% of alleles in individuals of East Asian descent in gnomAD. At this time, the clinical significance of this variant is uncertain due to the absence of conclusive functional and genetic evidence.

NM_017514.5(PLXNA3):c.514G>A (p.Asp172Asn)

Gene: PLXNA3 (plexin A3; plus strand). Cytogenetic location: Xq28.
Variant type: single nucleotide variant.
Coding change: c.514G>A on transcript NM_017514.5 (MANE Select); coding-DNA position 514, G replaced by A.
Protein change: p.Asp172Asn; replaces aspartic acid 172 with asparagine.
Molecular consequence: missense variant.
Genome position (GRCh38, 1-based): chrX:154,460,697, G>A. VCF-style: chrX-154460697-G-A. GRCh37 (hg19) VCF-style: chrX-153689037-G-A.
Other names: short protein forms D172N.
Identifiers: ClinVar variation 2509783 (VCV002509783.3), dbSNP rs181269464, ClinGen allele CA10563707.